The following is an entry in ClinVar:

NM_182931.3(KMT2E):c.5539A>G (p.Thr1847Ala)

Gene: KMT2E (lysine methyltransferase 2E (inactive); plus strand). Cytogenetic location: 7q22.3.
Variant type: single nucleotide variant.
Coding change: c.5539A>G on transcript NM_182931.3 (MANE Select); coding-DNA position 5539, A replaced by G.
Protein change: p.Thr1847Ala; replaces threonine 1847 with alanine.
Molecular consequence: missense variant.
Genome position (GRCh38, 1-based): chr7:105,113,295, A>G. VCF-style: chr7-105113295-A-G. GRCh37 (hg19) VCF-style: chr7-104753742-A-G.
Other names: c.5413A>G, p.Thr1805Ala (NM_001410908.1); c.5539A>G, p.Thr1847Ala (NM_018682.4); short protein forms T1847A, T1805A.
Identifiers: ClinVar variation 3716323 (VCV003716323.2).

ClinVar aggregate classification (germline): Uncertain significance (1 of 4 stars; one submission).

gnomAD v4.1: 33 of 1,613,066 alleles (0.002%); highest among the groups gnomAD compares: South Asian, 0.033%; no homozygotes.

Submission:

Labcorp Genetics (formerly Invitae), Labcorp
Classification: Uncertain significance. Last evaluated: 2024-11-30. Review status: criteria provided, single submitter. Criteria: Invitae Variant Classification Sherloc (09022015). Collection method: clinical testing. Allele origin: germline.
Comment: This sequence change replaces threonine, which is neutral and polar, with alanine, which is neutral and non-polar, at codon 1847 of the KMT2E protein (p.Thr1847Ala). This variant is present in population databases (rs766219533, gnomAD 0.04%). This variant has not been reported in the literature in individuals affected with KMT2E-related conditions. An algorithm developed to predict the effect of missense changes on protein structure and function (PolyPhen-2) suggests that this variant is likely to be tolerated. In summary, the available evidence is currently insufficient to determine the role of this variant in disease. Therefore, it has been classified as a Variant of Uncertain Significance.